The following is an entry in ClinVar:

NM_001378457.1(DMXL2):c.110T>C (p.Ile37Thr)

Gene: DMXL2 (Dmx like 2; minus strand). Cytogenetic location: 15q21.2.
Variant type: single nucleotide variant.
Coding change: c.110T>C on transcript NM_001378457.1 (MANE Select); coding-DNA position 110, T replaced by C.
Protein change: p.Ile37Thr; replaces isoleucine 37 with threonine.
Molecular consequence: missense variant. On other transcripts: non-coding transcript variant (2).
Genome position (GRCh38, 1-based): chr15:51,576,159, A>G on the plus strand (T>C on the coding strand, the complement: DMXL2 is on the minus strand). VCF-style: chr15-51576159-A-G. GRCh37 (hg19) VCF-style: chr15-51868356-A-G.
Other names: c.110T>C, p.Ile37Thr (NM_001174116.3, NM_001174117.3, NM_001378458.1 and 7 more transcripts); short protein forms I37T.
Identifiers: ClinVar variation 1371410 (VCV001371410.4), dbSNP rs754558170, ClinGen allele CA7562921.
Genomic context (GRCh38, chr15:51,576,159, plus strand): 5'-TTTCCATGCTTAGCACCAGGAATGATCTGTACACATTCAAAGTCATTTGCCAAAATAACA[A>G]TATCACAGCCTGATCCATATGCCTAAAAAAAAAAAAAAAAAAAAGTTTTACAATACATAA-3'
Protein context (NP_001365386.1, residues 27-47): PFTAYGSGCD[Ile37Thr]VILANDFECV

ClinVar aggregate classification (germline): Uncertain significance (1 of 4 stars; one submission).

Allele frequency attached by ClinVar (database versions not stated): gnomAD exomes 0.00001 and 0.00002; ExAC 0.00002; gnomAD 0.00002; TOPMed 0.00002.

Submission:

Labcorp Genetics (formerly Invitae), Labcorp
Classification: Uncertain significance. Last evaluated: 2023-05-08. Review status: criteria provided, single submitter. Criteria: Invitae Variant Classification Sherloc (09022015). Collection method: clinical testing. Allele origin: germline.
Comment: In summary, the available evidence is currently insufficient to determine the role of this variant in disease. Therefore, it has been classified as a Variant of Uncertain Significance. An algorithm developed to predict the effect of missense changes on protein structure and function (PolyPhen-2) suggests that this variant is likely to be disruptive. ClinVar contains an entry for this variant (Variation ID: 1371410). This variant has not been reported in the literature in individuals affected with DMXL2-related conditions. This variant is present in population databases (rs754558170, gnomAD 0.003%). This sequence change replaces isoleucine, which is neutral and non-polar, with threonine, which is neutral and polar, at codon 37 of the DMXL2 protein (p.Ile37Thr).